The following is an entry in ClinVar:

ClinVar aggregate classification (germline): Uncertain significance. Review status: criteria provided, multiple submitters, no conflicts (2 of 4 stars). 3 submissions from 3 submitters: Uncertain significance (3). Last evaluated 2026-03-06.

Conditions:
Hereditary cancer-predisposing syndrome. Also called: Neoplastic Syndromes, Hereditary; Hereditary Cancer Syndrome; Tumor predisposition; Hereditary neoplastic syndrome. Identifiers: Orphanet 140162, MedGen C0027672, MeSH D009386, MONDO:0015356.
DICER1-related tumor predisposition. Also called: DICER1-related pleuropulmonary blastoma cancer predisposition syndrome; DICER1 syndrome. Identifiers: Orphanet 284343, MedGen C3839822, MONDO:0100216.
DICER1-related disorder. Also called: DICER1-related condition.

Allele frequency attached by ClinVar (database versions not stated): gnomAD exomes below 0.00001; TOPMed below 0.00001.
gnomAD v4.1: 1 of 1,614,126 alleles (0.000062%); highest among the groups gnomAD compares: Admixed American, 0.0017%; no homozygotes.

Submissions (3):

PreventionGenetics, part of Exact Sciences
Classification: Uncertain significance for DICER1-related condition. Last evaluated: 2026-03-06. Review status: criteria provided, single submitter. Criteria: ACMG Guidelines, 2015. Collection method: clinical testing. Allele origin: germline.
Comment: The DICER1 c.112C>A variant is predicted to result in the amino acid substitution p.His38Asn. To our knowledge, this variant has not been reported in the literature or in a large population database (gnomAD), indicating this variant is rare. This variant has been classified as uncertain by multiple institutions in ClinVar (Variation ID: 822232). At this time, the clinical significance of this variant is uncertain due to the absence of conclusive functional and genetic evidence.

Labcorp Genetics (formerly Invitae), Labcorp
Classification: Uncertain significance for DICER1-related tumor predisposition. Last evaluated: 2025-06-22. Review status: criteria provided, single submitter. Criteria: Invitae Variant Classification Sherloc (09022015). Collection method: clinical testing. Allele origin: germline.
Comment: This sequence change replaces histidine, which is basic and polar, with asparagine, which is neutral and polar, at codon 38 of the DICER1 protein (p.His38Asn). This variant is not present in population databases (gnomAD no frequency). This variant has not been reported in the literature in individuals affected with DICER1-related conditions. ClinVar contains an entry for this variant (Variation ID: 822232). Invitae Evidence Modeling of protein sequence and biophysical properties (such as structural, functional, and spatial information, amino acid conservation, physicochemical variation, residue mobility, and thermodynamic stability) indicates that this missense variant is not expected to disrupt DICER1 protein function with a negative predictive value of 95%. In summary, the available evidence is currently insufficient to determine the role of this variant in disease. Therefore, it has been classified as a Variant of Uncertain Significance.

Ambry Genetics
Classification: Uncertain significance for Hereditary cancer-predisposing syndrome. Last evaluated: 2022-05-23. Review status: criteria provided, single submitter. Criteria: Ambry Variant Classification Scheme 2023. Collection method: clinical testing. Allele origin: germline.
Comment: The p.H38N variant (also known as c.112C>A), located in coding exon 1 of the DICER1 gene, results from a C to A substitution at nucleotide position 112. The histidine at codon 38 is replaced by asparagine, an amino acid with similar properties. This amino acid position is highly conserved in available vertebrate species. In addition, the in silico prediction for this alteration is inconclusive. Since supporting evidence is limited at this time, the clinical significance of this alteration remains unclear.

NM_177438.3(DICER1):c.112C>A (p.His38Asn)

Gene: DICER1 (dicer 1, ribonuclease III; minus strand). Cytogenetic location: 14q32.13.
Variant type: single nucleotide variant.
Coding change: c.112C>A on transcript NM_177438.3 (MANE Select); coding-DNA position 112, C replaced by A.
Protein change: p.His38Asn; replaces histidine 38 with asparagine.
Molecular consequence: missense variant.
Genome position (GRCh38, 1-based): chr14:95,133,347, G>T on the plus strand (C>A on the coding strand, the complement: DICER1 is on the minus strand). VCF-style: chr14-95133347-G-T. GRCh37 (hg19) VCF-style: chr14-95599684-G-T.
Other names: c.112C>A, p.His38Asn (NM_001195573.1, NM_001271282.3, NM_001291628.2 and 1 more transcripts); short protein forms H38N.
Identifiers: ClinVar variation 822232 (VCV000822232.14), dbSNP rs1595468689, ClinGen allele CA390890448.